The following is an entry in ClinVar:

ClinVar aggregate classification (germline): Uncertain significance (1 of 4 stars; one submission).

Allele frequency attached by ClinVar (database versions not stated): ESP Exome Variant Server 0.00009.

Submission:

GeneDx
Classification: Uncertain significance. Last evaluated: 2022-05-26. Review status: criteria provided, single submitter. Criteria: GeneDx Variant Classification Process June 2021. Collection method: clinical testing. Allele origin: germline. Affected: yes.
Comment: Not observed at significant frequency in large population cohorts (gnomAD); In silico analysis supports that this missense variant has a deleterious effect on protein structure/function; Has not been previously published as pathogenic or benign to our knowledge

NM_181672.3(OGT):c.458A>G (p.Asn153Ser)

Gene: OGT (O-linked N-acetylglucosamine (GlcNAc) transferase; plus strand). Cytogenetic location: Xq13.1.
Variant type: single nucleotide variant.
Coding change: c.458A>G on transcript NM_181672.3 (MANE Select); coding-DNA position 458, A replaced by G.
Protein change: p.Asn153Ser; replaces asparagine 153 with serine.
Molecular consequence: missense variant.
Genome position (GRCh38, 1-based): chrX:71,538,068, A>G. VCF-style: chrX-71538068-A-G. GRCh37 (hg19) VCF-style: chrX-70757918-A-G.
Other names: c.428A>G, p.Asn143Ser (NM_181673.3); short protein forms N143S, N153S.
Identifiers: ClinVar variation 1801103 (VCV001801103.1), dbSNP rs149977750, ClinGen allele CA331028792.